The following is an entry in ClinVar:

NM_001122752.2(SERPINI1):c.5C>T (p.Ala2Val)

Gene: SERPINI1 (serpin family I member 1; plus strand). Cytogenetic location: 3q26.1.
Variant type: single nucleotide variant.
Coding change: c.5C>T on transcript NM_001122752.2 (MANE Select); coding-DNA position 5, C replaced by T.
Protein change: p.Ala2Val; replaces alanine 2 with valine.
Molecular consequence: missense variant.
Genome position (GRCh38, 1-based): chr3:167,789,133, C>T. VCF-style: chr3-167789133-C-T. GRCh37 (hg19) VCF-style: chr3-167506921-C-T.
Other names: c.5C>T, p.Ala2Val (NM_005025.5); short protein forms A2V.
Identifiers: ClinVar variation 2037121 (VCV002037121.4), dbSNP rs2476220478, ClinGen allele CA355155346.

ClinVar aggregate classification (germline): Uncertain significance (1 of 4 stars; one submission).

Conditions:
Familial encephalopathy with neuroserpin inclusion bodies. Also called: ENCEPHALOPATHY, FAMILIAL, WITH COLLINS BODIES. Identifiers: Orphanet 85110, MedGen C1858680, MONDO:0011412, OMIM 604218.

Submission:

Labcorp Genetics (formerly Invitae), Labcorp
Classification: Uncertain significance for Familial encephalopathy with neuroserpin inclusion bodies. Last evaluated: 2022-08-15. Review status: criteria provided, single submitter. Criteria: Invitae Variant Classification Sherloc (09022015). Collection method: clinical testing. Allele origin: germline.
Comment: In summary, the available evidence is currently insufficient to determine the role of this variant in disease. Therefore, it has been classified as a Variant of Uncertain Significance. This sequence change replaces alanine, which is neutral and non-polar, with valine, which is neutral and non-polar, at codon 2 of the SERPINI1 protein (p.Ala2Val). This variant is not present in population databases (gnomAD no frequency). This variant has not been reported in the literature in individuals affected with SERPINI1-related conditions. Advanced modeling of protein sequence and biophysical properties (such as structural, functional, and spatial information, amino acid conservation, physicochemical variation, residue mobility, and thermodynamic stability) performed at Invitae indicates that this missense variant is not expected to disrupt SERPINI1 protein function.